The following is an entry in ClinVar:

NM_030973.4(MED25):c.597C>A (p.Ala199=)

Gene: MED25 (mediator complex subunit 25; plus strand). Cytogenetic location: 19q13.33.
Variant type: single nucleotide variant.
Coding change: c.597C>A on transcript NM_030973.4 (MANE Select); coding-DNA position 597, C replaced by A.
Protein change: p.Ala199=; no amino-acid change (alanine 199 retained).
Molecular consequence: synonymous variant.
Genome position (GRCh38, 1-based): chr19:49,829,857, C>A. VCF-style: chr19-49829857-C-A. GRCh37 (hg19) VCF-style: chr19-50333114-C-A.
Other names: c.597C>A, p.Ala199= (NM_001378355.1).
Identifiers: ClinVar variation 379339 (VCV000379339.24), dbSNP rs149788020, ClinGen allele CA9584923.

ClinVar aggregate classification (germline): Benign/Likely benign. Review status: criteria provided, multiple submitters, no conflicts (2 of 4 stars). 6 submissions from 6 submitters: Benign (3); Likely benign (3). Last evaluated 2026-06-01.

Conditions:
Congenital cataract-microcephaly-nevus flammeus simplex-severe intellectual disability syndrome. Also called: Basel-Vanagaite-Smirin-Yosef syndrome. Identifiers: Orphanet 464738, MedGen C4225323, MONDO:0014643, OMIM 616449.
Charcot-Marie-Tooth disease. Also called: Charcot-Marie-Tooth Neuropathy; Charcot-Marie-Tooth Hereditary Neuropathy. Identifiers: Orphanet 166, MedGen C0007959, MONDO:0015626.
Charcot-Marie-Tooth disease type 2. Also called: Charcot-Marie-Tooth type 2. Identifiers: Orphanet 64746, MedGen C0270914, MONDO:0018993.

Allele frequency attached by ClinVar (database versions not stated): ExAC 0.00147; TOPMed 0.00296; ESP Exome Variant Server 0.00323; 1000 Genomes Project 0.00359; 1000 Genomes Project 30x 0.00453.
gnomAD v4.1: 1,280 of 1,612,612 alleles (0.079%); highest among the groups gnomAD compares: African/African-American, 0.95%; 8 homozygotes.

Submissions (6):

CeGaT Center for Human Genetics Tuebingen
Classification: Likely benign. Last evaluated: 2026-06-01. Review status: criteria provided, single submitter. Criteria: CeGaT Center For Human Genetics Tuebingen Variant Classification Criteria Version 2. Collection method: clinical testing. Allele origin: germline. Affected: yes. Observed: 1 variant allele.
Comment: MED25: BP4, BP7

Labcorp Genetics (formerly Invitae), Labcorp
Classification: Benign for Charcot-Marie-Tooth disease type 2. Last evaluated: 2026-01-19. Review status: criteria provided, single submitter. Criteria: Invitae Variant Classification Sherloc (09022015). Collection method: clinical testing. Allele origin: germline.

ARUP Laboratories, Molecular Genetics and Genomics, ARUP Laboratories
Classification: Benign for Congenital cataract-microcephaly-nevus flammeus simplex-severe intellectual disability syndrome. Last evaluated: 2020-04-30. Review status: criteria provided, single submitter. Criteria: ARUP Molecular Germline Variant Investigation Process. Collection method: clinical testing. Allele origin: germline.

GeneDx
Classification: Benign. Last evaluated: 2015-06-19. Review status: criteria provided, single submitter. Criteria: GeneDx Variant Classification (06012015). Collection method: clinical testing. Allele origin: germline. Affected: yes.
Comment: This variant is considered likely benign or benign based on one or more of the following criteria: it is a conservative change, it occurs at a poorly conserved position in the protein, it is predicted to be benign by multiple in silico algorithms, and/or has population frequency not consistent with disease.

Breakthrough Genomics
Classification: Likely benign. Review status: criteria provided, single submitter. Criteria: ACMG Guidelines, 2015. Collection method: not provided. Allele origin: germline. Inheritance: Autosomal recessive inheritance. Affected: yes.

Molecular Genetics Laboratory, London Health Sciences Centre
Classification: Likely benign for Charcot-Marie-Tooth disease. Review status: criteria provided, single submitter. Criteria: ACMG Guidelines, 2015. Collection method: clinical testing. Allele origin: germline. Affected: yes.